The following is an entry in ClinVar:

NM_000090.4(COL3A1):c.1264A>G (p.Asn422Asp)

Gene: COL3A1 (collagen type III alpha 1 chain; plus strand). Cytogenetic location: 2q32.2.
Variant type: single nucleotide variant.
Coding change: c.1264A>G on transcript NM_000090.4 (MANE Select); coding-DNA position 1264, A replaced by G.
Protein change: p.Asn422Asp; replaces asparagine 422 with aspartic acid.
Molecular consequence: missense variant.
Genome position (GRCh38, 1-based): chr2:188,994,303, A>G. VCF-style: chr2-188994303-A-G. GRCh37 (hg19) VCF-style: chr2-189859029-A-G.
Other names: short protein forms N422D.
Identifiers: ClinVar variation 918567 (VCV000918567.7), dbSNP rs1688252085, ClinGen allele CA349851500.

ClinVar aggregate classification (germline): Uncertain significance. Review status: criteria provided, multiple submitters, no conflicts (2 of 4 stars). 3 submissions from 3 submitters: Uncertain significance (3). Last evaluated 2024-03-06.

Conditions:
Familial thoracic aortic aneurysm and aortic dissection (TAAD). Also called: Thoracic aortic aneurysms and dissections. Identifiers: Orphanet 91387, MedGen C4707243, MONDO:0019625.
Ehlers-Danlos syndrome, type 4 (EDSVASC). Also called: Ehlers-Danlos Syndrome Type IV; Ehlers-Danlos syndrome vascular type; Ehlers Danlos syndrome, ecchymotic type; Ehlers Danlos syndrome, arterial type; Ehlers Danlos syndrome, Sack-Barabas type. Identifiers: Orphanet 286, MedGen C0268338, MONDO:0017314, OMIM 130050.

Allele frequency attached by ClinVar (database versions not stated): gnomAD exomes below 0.00001.
gnomAD v4.1: 6 of 1,613,750 alleles (0.00037%); highest among the groups gnomAD compares: Non-Finnish European, 0.00051%; no homozygotes.

Submissions (3):

Color Diagnostics, LLC DBA Color Health
Classification: Uncertain significance for Familial thoracic aortic aneurysm and aortic dissection. Last evaluated: 2024-03-06. Review status: criteria provided, single submitter. Criteria: ACMG Guidelines, 2015. Collection method: clinical testing. Allele origin: germline.
Comment: This missense variant replaces asparagine with aspartic acid at codon 422 of the COL3A1 protein. Computational prediction suggests that this variant may not impact protein structure and function (internally defined REVEL score threshold <= 0.5, PMID: 27666373). To our knowledge, functional studies have not been reported for this variant. This variant has not been reported in individuals affected with COL3A1-related disorders in the literature. This variant has not been identified in the general population by the Genome Aggregation Database (gnomAD). The available evidence is insufficient to determine the role of this variant in disease conclusively. Therefore, this variant is classified as a Variant of Uncertain Significance.

All of Us Research Program, National Institutes of Health
Classification: Uncertain significance for Ehlers-Danlos syndrome, type 4. Last evaluated: 2023-11-02. Review status: criteria provided, single submitter. Criteria: ACMG Guidelines, 2015. Collection method: clinical testing. Allele origin: germline. Inheritance: Autosomal dominant inheritance. Observed: 1 variant allele, 1 heterozygote.
Comment: This missense variant replaces asparagine with aspartic acid at codon 422 of the COL3A1 protein. Computational prediction tools and conservation analyses are inconclusive regarding the impact of this variant on protein structure and function. Splice site prediction tools suggest that this variant may not impact RNA splicing. To our knowledge, functional studies have not been performed for this variant. This variant has not been reported in individuals affected with cardiovascular disorders in the literature. This variant has not been identified in the general population by the Genome Aggregation Database (gnomAD). The available evidence is insufficient to determine the role of this variant in disease conclusively. Therefore, this variant is classified as a Variant of Uncertain Significance.

This study involves interpretation of variants in research participants for the purpose of population health screening. Participant phenotype was not available at the time of variant classification. Additional details can be found in publication PMID: 35346344, PMCID: PMC8962531

Blueprint Genetics
Classification: Uncertain significance. Last evaluated: 2021-09-03. Review status: criteria provided, single submitter. Criteria: ACMG Guidelines, 2015. Collection method: clinical testing. Allele origin: germline.